The following is an entry in ClinVar:

NM_024334.3(TMEM43):c.859C>T (p.His287Tyr)

Gene: TMEM43 (transmembrane protein 43; plus strand). Cytogenetic location: 3p25.1.
Variant type: single nucleotide variant.
Coding change: c.859C>T on transcript NM_024334.3 (MANE Select); coding-DNA position 859, C replaced by T.
Protein change: p.His287Tyr; replaces histidine 287 with tyrosine.
Molecular consequence: missense variant.
Genome position (GRCh38, 1-based): chr3:14,135,885, C>T. VCF-style: chr3-14135885-C-T. GRCh37 (hg19) VCF-style: chr3-14177385-C-T.
Other names: p.H287Y:CAC>TAC; short protein forms H287Y.
Identifiers: ClinVar variation 202121 (VCV000202121.22), dbSNP rs780299346, ClinGen allele CA024779.

ClinVar aggregate classification (germline): Conflicting classifications of pathogenicity. Review status: criteria provided, conflicting classifications (1 of 4 stars). 8 submissions from 8 submitters: Uncertain significance (7); Likely benign (1). Last evaluated 2026-02-03.

Conditions:
TMEM43-related disorder. Also called: TMEM43-related condition.
Cardiovascular phenotype. Identifiers: MedGen CN230736.
Cardiomyopathy (CMYO). Also called: Cardiomyopathies. Identifiers: Orphanet 167848, MedGen C0878544, MONDO:0004994, HP:0001638. Inheritance: Various modes of inheritance.
Arrhythmogenic right ventricular dysplasia 5. Also called: Arrhythmogenic Right Ventricular Dysplasia/Cardiomyopathy 5; ARRHYTHMOGENIC RIGHT VENTRICULAR DYSPLASIA, FAMILIAL, 5. Identifiers: MedGen C1858379, MONDO:0011459, OMIM 604400.

Allele frequency attached by ClinVar (database versions not stated): gnomAD exomes below 0.00001 and 0.00005; gnomAD 0.00001; TOPMed 0.00002.

Submissions (8):

PreventionGenetics, part of Exact Sciences
Classification: Uncertain significance for TMEM43-related condition. Last evaluated: 2026-02-03. Review status: criteria provided, single submitter. Criteria: ACMG Guidelines, 2015. Collection method: clinical testing. Allele origin: germline.
Comment: The TMEM43 c.859C>T variant is predicted to result in the amino acid substitution p.His287Tyr. This variant was reported as a variant of uncertain significance in an individual with sudden unexplained death (Table S2, Lin et al. 2017. PubMed ID: 29247119). This variant is reported in 0.00089% of alleles in individuals of European (Non-Finnish) descent in gnomAD. At this time, the clinical significance of this variant is uncertain due to the absence of conclusive functional and genetic evidence.

Labcorp Genetics (formerly Invitae), Labcorp
Classification: Uncertain significance for Arrhythmogenic right ventricular dysplasia 5. Last evaluated: 2025-11-10. Review status: criteria provided, single submitter. Criteria: Invitae Variant Classification Sherloc (09022015). Collection method: clinical testing. Allele origin: germline.
Comment: This sequence change replaces histidine, which is basic and polar, with tyrosine, which is neutral and polar, at codon 287 of the TMEM43 protein (p.His287Tyr). This variant is present in population databases (rs780299346, gnomAD 0.0009%). This missense change has been observed in individual(s) with sudden unexplained death (PMID: 29247119). ClinVar contains an entry for this variant (Variation ID: 202121). Invitae Evidence Modeling of protein sequence and biophysical properties (such as structural, functional, and spatial information, amino acid conservation, physicochemical variation, residue mobility, and thermodynamic stability) indicates that this missense variant is not expected to disrupt TMEM43 protein function with a negative predictive value of 80%. In summary, the available evidence is currently insufficient to determine the role of this variant in disease. Therefore, it has been classified as a Variant of Uncertain Significance.

Color Diagnostics, LLC DBA Color Health
Classification: Uncertain significance for Cardiomyopathy. Last evaluated: 2025-06-12. Review status: criteria provided, single submitter. Criteria: ACMG Guidelines, 2015. Collection method: clinical testing. Allele origin: germline.
Comment: This missense variant replaces histidine with tyrosine at codon 287 of the TMEM43 protein. Computational prediction suggests that this variant may not impact protein structure and function. To our knowledge, functional studies have not been reported for this variant. This variant has been reported in an individual affected with sudden unexplained death (PMID: 29247119). This variant has been identified in 1/250388 chromosomes in the general population by the Genome Aggregation Database (gnomAD). The available evidence is insufficient to determine the role of this variant in disease conclusively. Therefore, this variant is classified as a Variant of Uncertain Significance.

Ambry Genetics
Classification: Likely benign for Cardiovascular phenotype. Last evaluated: 2025-02-24. Review status: criteria provided, single submitter. Criteria: Ambry Variant Classification Scheme 2023. Collection method: clinical testing. Allele origin: germline.

ARUP Laboratories, Molecular Genetics and Genomics, ARUP Laboratories
Classification: Uncertain significance. Last evaluated: 2024-11-14. Review status: criteria provided, single submitter. Criteria: ARUP Molecular Germline Variant Investigation Process 2024. Collection method: clinical testing. Allele origin: germline.
Comment: The TMEM43 c.859C>T; p.His287Tyr variant (rs780299346, ClinVar Variation ID: 202121) is reported in the literature in one case of sudden unexplained death and in one individual with mitochondrial myopathy that lacked cardiovascular symptoms (Lin 2017, Schultz-Rogers 2019). This variant is only observed on one allele in the Genome Aggregation Database (v2.1.1), indicating it is not a common polymorphism. Computational analyses predict that this variant is neutral (REVEL: 0.057). Due to limited information, the clinical significance of this variant is uncertain at this time. References: Lin Y et al. Applying High-Resolution Variant Classification to Cardiac Arrhythmogenic Gene Testing in a Demographically Diverse Cohort of Sudden Unexplained Deaths. Circ Cardiovasc Genet. 2017 Dec;10(6):e001839. PMID: 29247119. Schultz-Rogers L et al. Novel biallelic variants in MSTO1 associated with mitochondrial myopathy. Cold Spring Harb Mol Case Stud. 2019 Dec 13;5(6):a004309. PMID: 31604776.

All of Us Research Program, National Institutes of Health
Classification: Uncertain significance for Arrhythmogenic right ventricular dysplasia 5. Last evaluated: 2023-06-28. Review status: criteria provided, single submitter. Criteria: ACMG Guidelines, 2015. Collection method: clinical testing. Allele origin: germline. Inheritance: Autosomal dominant inheritance. Observed: 5 variant alleles, 5 heterozygotes.
Comment: This missense variant replaces histidine with tyrosine at codon 287 of the TMEM43 protein. Computational prediction suggests that this variant may not impact protein structure and function (internally defined REVEL score threshold <= 0.5, PMID: 27666373). To our knowledge, functional studies have not been reported for this variant. This variant has been reported in an individual affected with sudden unexplained death (PMID: 29247119), as well as in an individual who did not have cardiovascular symptoms (PMID: 31604776). This variant has been identified in 1/250388 chromosomes in the general population by the Genome Aggregation Database (gnomAD). The available evidence is insufficient to determine the role of this variant in disease conclusively. Therefore, this variant is classified as a Variant of Uncertain Significance.

This study involves interpretation of variants in research participants for the purpose of population health screening. Participant phenotype was not available at the time of variant classification. Additional details can be found in publication PMID: 35346344, PMCID: PMC8962531

GeneDx
Classification: Uncertain significance. Last evaluated: 2019-12-23. Review status: criteria provided, single submitter. Criteria: GeneDx Variant Classification Process June 2021. Collection method: clinical testing. Allele origin: germline. Affected: yes.
Comment: Reported in a patient with sudden unexplained death; however, no additional clinical information was provided (Lin et al., 2017); Reported in ClinVar as a variant of uncertain significance (ClinVar Variant ID# 202121; Landrum et al., 2016); Not observed at a significant frequency in large population cohorts (Lek et al., 2016); In silico analysis, which includes protein predictors and evolutionary conservation, supports that this variant does not alter protein structure/function; This variant is associated with the following publications: (PMID: 29247119)

CHEO Genetics Diagnostic Laboratory, Children's Hospital of Eastern Ontario
Classification: Uncertain significance for Cardiomyopathy. Last evaluated: 2019-07-15. Review status: criteria provided, single submitter. Criteria: ACMG Guidelines, 2015. Collection method: clinical testing. Allele origin: germline.

Literature cited by the submitters: PubMed 29247119 (cited by 3 submitters); PubMed 31604776 (cited by All of Us Research Program, National Institutes of Health).